The following is an entry in ClinVar:

NM_004415.4(DSP):c.1411_1412insT (p.Gln471fs)

Gene: DSP (desmoplakin; plus strand). Cytogenetic location: 6p24.3.
Variant type: Insertion.
Coding change: c.1411_1412insT on transcript NM_004415.4 (MANE Select); coding-DNA positions 1411 to 1412, T inserted.
Protein change: p.Gln471fs; shifts the reading frame from glutamine 471.
Molecular consequence: frameshift variant.
Genome position: GRCh38 VCF-style: chr6-7568581-C-CT. GRCh37 (hg19) VCF-style: chr6-7568814-C-CT.
Other names: c.1411_1412insT (LRG_423t1); c.1411_1412insT, p.Gln471fs (NM_001008844.3, NM_001319034.2); short protein forms Q471fs.
Identifiers: ClinVar variation 666177 (VCV000666177.7), dbSNP rs1581802715, ClinGen allele CA915944142.

ClinVar aggregate classification (germline): Pathogenic (1 of 4 stars; one submission).

Conditions:
Arrhythmogenic cardiomyopathy with wooly hair and keratoderma. Also called: PALMOPLANTAR KERATODERMA WITH LEFT VENTRICULAR CARDIOMYOPATHY AND WOOLLY HAIR; Arrhythmogenic cardiomyopathy with woolly hair and keratoderma; Dilated cardiomyopathy with woolly hair and keratoderma; Carvajal syndrome. Identifiers: Orphanet 65282, MedGen C1854063, MONDO:0011581, OMIM 605676.
Arrhythmogenic right ventricular dysplasia 8 (ARVD8). Also called: ARRHYTHMOGENIC RIGHT VENTRICULAR DYSPLASIA, FAMILIAL, 8; ARRHYTHMOGENIC RIGHT VENTRICULAR CARDIOMYOPATHY 8; Arrhythmogenic Right Ventricular Dysplasia/Cardiomyopathy 8. Identifiers: MedGen C1843896, MONDO:0011831, OMIM 607450.

Submission:

Labcorp Genetics (formerly Invitae), Labcorp
Classification: Pathogenic for Arrhythmogenic cardiomyopathy with wooly hair and keratoderma; Arrhythmogenic right ventricular dysplasia 8. Last evaluated: 2018-07-15. Review status: criteria provided, single submitter. Criteria: Invitae Variant Classification Sherloc (09022015). Collection method: clinical testing. Allele origin: germline.
Comment: Loss-of-function variants in DSP are known to be pathogenic (PMID: 20716751, 24503780, 25227139). This variant has not been reported in the literature in individuals with DSP-related disease. This variant is not present in population databases (ExAC no frequency). This sequence change creates a premature translational stop signal (p.Gln471Leufs*8) in the DSP gene. It is expected to result in an absent or disrupted protein product. For these reasons, this variant has been classified as Pathogenic.

Literature cited by the submitters: PubMed 20716751; PubMed 24503780; PubMed 25227139.